The following is an entry in ClinVar:

NM_000179.3(MSH6):c.1574G>A (p.Ser525Asn)

Gene: MSH6 (mutS homolog 6; plus strand). Cytogenetic location: 2p16.3.
Variant type: single nucleotide variant.
Coding change: c.1574G>A on transcript NM_000179.3 (MANE Select); coding-DNA position 1574, G replaced by A.
Protein change: p.Ser525Asn; replaces serine 525 with asparagine.
Molecular consequence: missense variant.
Genome position (GRCh38, 1-based): chr2:47,799,557, G>A. VCF-style: chr2-47799557-G-A. GRCh37 (hg19) VCF-style: chr2-48026696-G-A.
Other names: c.1184G>A, p.Ser395Asn (NM_001281492.2); c.668G>A, p.Ser223Asn (NM_001281493.2, NM_001281494.2); short protein forms S223N, S395N, S525N.
Identifiers: ClinVar variation 1478160 (VCV001478160.13), dbSNP rs765387680, ClinGen allele CA067856.
Genomic context (GRCh38, chr2:47,799,557, plus strand): 5'-ATGATAGAGTGGTGAGGAGGGAGATCTGTAGGATCATTACCAAGGGTACACAGACTTACA[G>A]TGTGCTGGAAGGTGATCCCTCTGAGAACTACAGTAAGTATCTTCTTAGCCTCAAAGAAAA-3'
Protein context (NP_000170.1, residues 515-535): RIITKGTQTY[Ser525Asn]VLEGDPSENY

ClinVar aggregate classification (germline): Conflicting classifications of pathogenicity. Review status: criteria provided, conflicting classifications (1 of 4 stars). 4 submissions from 4 submitters: Uncertain significance (3); Likely benign (1). Last evaluated 2024-12-04.

Conditions:
Endometrial carcinoma. Also called: Endometrial carcinoma, somatic. Identifiers: MedGen C0476089, MONDO:0002447, OMIM 608089, HP:0012114.
Mismatch repair cancer syndrome 3. Identifiers: MedGen C5436807, MONDO:0030841, OMIM 619097.
Lynch syndrome 5 (LYNCH5). Also called: Hereditary non-polyposis colorectal cancer, type 5; Colorectal cancer, hereditary nonpolyposis, type 5. Identifiers: Orphanet 144, MedGen C1833477, MONDO:0013710, OMIM 614350. Disease mechanism: loss of function.
Hereditary cancer-predisposing syndrome. Also called: Tumor predisposition; Hereditary Cancer Syndrome; Hereditary neoplastic syndrome; Neoplastic Syndromes, Hereditary. Identifiers: Orphanet 140162, MedGen C0027672, MeSH D009386, MONDO:0015356.
Hereditary nonpolyposis colorectal neoplasms. Identifiers: MedGen C0009405, MeSH D003123.

Allele frequency attached by ClinVar (database versions not stated): ExAC 0.00001.
gnomAD v4.1: 3 of 1,614,210 alleles (0.00019%); highest among the groups gnomAD compares: Admixed American, 0.0017%; no homozygotes.

Submissions (4):

Ambry Genetics
Classification: Uncertain significance for Hereditary cancer-predisposing syndrome. Last evaluated: 2024-12-04. Review status: criteria provided, single submitter. Criteria: Ambry Variant Classification Scheme 2023. Collection method: clinical testing. Allele origin: germline.
Comment: The p.S525N variant (also known as c.1574G>A), located in coding exon 4 of the MSH6 gene, results from a G to A substitution at nucleotide position 1574. The serine at codon 525 is replaced by asparagine, an amino acid with highly similar properties. This amino acid position is highly conserved in available vertebrate species. In addition, the in silico prediction for this alteration is inconclusive. Since supporting evidence is limited at this time, the clinical significance of this alteration remains unclear.

Labcorp Genetics (formerly Invitae), Labcorp
Classification: Likely benign for Hereditary nonpolyposis colorectal neoplasms. Last evaluated: 2024-08-29. Review status: criteria provided, single submitter. Criteria: Invitae Variant Classification Sherloc (09022015). Collection method: clinical testing. Allele origin: germline.

Department of Pathology and Laboratory Medicine, Sinai Health System
Classification: Uncertain significance for Endometrial carcinoma; Lynch syndrome 5; Mismatch repair cancer syndrome 3. Last evaluated: 2023-10-13. Review status: criteria provided, single submitter. Criteria: ACMG Guidelines, 2015. Collection method: clinical testing. Allele origin: germline. Affected: no.

Sema4
Classification: Uncertain significance for Hereditary cancer-predisposing syndrome. Last evaluated: 2021-12-13. Review status: criteria provided, single submitter. Criteria: Sema4 Curation Guidelines. Collection method: curation. Allele origin: germline.
Comment: To the best of our knowledge, the MSH6 c.1574G>A (p.S525N) variant has not been reported in individuals with MSH6-related disease. This variant was observed in 1/30616 chromosomes in the South Asian population, according to the Genome Aggregation Database (PMID: 32461654). This variant has not been reported in ClinVar. Functional studies have not been performed, and in silico predictions of the variant's effect on protein function are inconclusive. The evidence is insufficient to meet ACMG/AMP criteria for classifying the variant as benign or pathogenic. Thus, the clinical significance of this variant is currently uncertain.